The following is an entry in ClinVar:

ClinVar aggregate classification (germline): Benign/Likely benign. Review status: criteria provided, multiple submitters, no conflicts (2 of 4 stars). 3 submissions from 3 submitters: Benign (1); Likely benign (2). Last evaluated 2026-01-24.

Conditions:
Palmoplantar keratoderma i, striate, focal, or diffuse. Also called: Keratosis Palmoplantaris Striata I, AD; KERATOSIS PALMOPLANTARIS STRIATA I; KERATODERMA, PALMOPLANTAR, STRIATE FORM I; STRIATE PALMOPLANTAR KERATODERMA I; PALMOPLANTAR KERATODERMA I, STRIATE OR DIFFUSE; PALMOPLANTAR KERATODERMA I, FOCAL. Identifiers: Orphanet 369999, Orphanet 370002, MedGen C2931122, MONDO:0007859, OMIM 148700.
Severe dermatitis-multiple allergies-metabolic wasting syndrome. Also called: Erythroderma, congenital, with palmoplantar keratoderma, hypotrichosis, and hyper-ige; SEVERE DERMATITIS, MULTIPLE ALLERGIES, AND METABOLIC WASTING SYNDROME; SAM SYNDROME; ERYTHRODERMA, CONGENITAL, WITH PALMOPLANTAR KERATODERMA, HYPOTRICHOSIS, RECURRENT INFECTIONS, AND MULTIPLE FOOD ALLERGIES. Identifiers: Orphanet 369992, MedGen C3809719, MONDO:0014218, OMIM 615508.
DSG1-related disorder. Also called: DSG1-related condition.

Allele frequency attached by ClinVar (database versions not stated): 1000 Genomes Project 30x 0.00312; 1000 Genomes Project 0.00379; ESP Exome Variant Server 0.00008; gnomAD 0.00036 and 0.00052; ExAC 0.00120.
gnomAD v4.1: 843 of 1,614,058 alleles (0.052%); highest among the groups gnomAD compares: East Asian, 1.6%; 7 homozygotes.

Submissions (3):

Labcorp Genetics (formerly Invitae), Labcorp
Classification: Benign. Last evaluated: 2026-01-24. Review status: criteria provided, single submitter. Criteria: Invitae Variant Classification Sherloc (09022015). Collection method: clinical testing. Allele origin: germline.

PreventionGenetics, part of Exact Sciences
Classification: Likely benign for DSG1-related condition. Last evaluated: 2024-10-08. Review status: criteria provided, single submitter. Criteria: ACMG Guidelines, 2015. Collection method: clinical testing. Allele origin: germline.
Comment: This variant is classified as likely benign based on ACMG/AMP sequence variant interpretation guidelines (Richards et al. 2015 PMID: 25741868, with internal and published modifications).

Fulgent Genetics
Classification: Likely benign for Palmoplantar keratoderma i, striate, focal, or diffuse; Severe dermatitis-multiple allergies-metabolic wasting syndrome. Last evaluated: 2021-07-28. Review status: criteria provided, single submitter. Criteria: ACMG Guidelines, 2015. Collection method: clinical testing. Allele origin: unknown.

NM_001942.4(DSG1):c.1615T>G (p.Leu539Val)

Gene: DSG1 (desmoglein 1; plus strand). Cytogenetic location: 18q12.1.
Variant type: single nucleotide variant.
Coding change: c.1615T>G on transcript NM_001942.4 (MANE Select); coding-DNA position 1615, T replaced by G.
Protein change: p.Leu539Val; replaces leucine 539 with valine.
Molecular consequence: missense variant.
Genome position (GRCh38, 1-based): chr18:31,339,953, T>G. VCF-style: chr18-31339953-T-G. GRCh37 (hg19) VCF-style: chr18-28919916-T-G.
Other names: short protein forms L539V.
Identifiers: ClinVar variation 1598625 (VCV001598625.10), dbSNP rs140327039, ClinGen allele CA8926122.
Genomic context (GRCh38, chr18:31,339,953, plus strand): 5'-ACAACTTCTACTGACTCTAGCCAAGTATATTCTTCTGAACCCGGAAACGGAGCCAAAGAT[T>G]TGTTATCAGACAATGTACATTTTGGTCCTGCTGGCATTGGACTCCTCATCATGGGATTCT-3'
Protein context (NP_001933.2, residues 529-549): SSEPGNGAKD[Leu539Val]LSDNVHFGPA